The following is an entry in ClinVar:

NM_130388.4(ASB12):c.498C>T (p.Asn166=)

Gene: ASB12 (ankyrin repeat and SOCS box containing 12; minus strand). Cytogenetic location: Xq11.2.
Variant type: single nucleotide variant.
Coding change: c.498C>T on transcript NM_130388.4 (MANE Select); coding-DNA position 498, C replaced by T.
Protein change: p.Asn166=; no amino-acid change (asparagine 166 retained).
Molecular consequence: synonymous variant.
Genome position (GRCh38, 1-based): chrX:64,225,153, G>A on the plus strand (C>T on the coding strand, the complement: ASB12 is on the minus strand). VCF-style: chrX-64225153-G-A. GRCh37 (hg19) VCF-style: chrX-63445033-G-A.
Identifiers: ClinVar variation 2660748 (VCV002660748.24), dbSNP rs147025022, ClinGen allele CA10432655.
Genomic context (GRCh38, chrX:64,225,153, plus strand): 5'-ATAGAGGGGGCCAGAACATGAAGCTATGTTTGATGCCCAGACTGGTAGTTTAGCTTTGAC[G>A]TTGGCCTCTGCACCATGGTCTAGGAGCTCCTGCAGGATAGCAACAGCACCATCACGGGCA-3'
Protein context (NP_569059.3, residues 156-176): QELLDHGAEA[Asn166=]VKAKLPVWAS

ClinVar aggregate classification (germline): Likely benign (1 of 4 stars; one submission).

Allele frequency attached by ClinVar (database versions not stated): 1000 Genomes Project 0.00053; 1000 Genomes Project 30x 0.00083; TOPMed 0.00022; gnomAD exomes 0.00027; gnomAD 0.00028; ExAC 0.00030; ESP Exome Variant Server 0.00038.
gnomAD v4.1: 329 of 1,209,401 alleles (0.027%); highest among the groups gnomAD compares: South Asian, 0.092%; 1 homozygote.

Submission:

CeGaT Center for Human Genetics Tuebingen
Classification: Likely benign. Last evaluated: 2023-03-01. Review status: criteria provided, single submitter. Criteria: CeGaT Center For Human Genetics Tuebingen Variant Classification Criteria Version 2. Collection method: clinical testing. Allele origin: germline. Affected: yes. Observed: 3 variant alleles.
Comment: ASB12: BP4, BP7, BS2